The following is an entry in ClinVar:

ClinVar aggregate classification (germline): Benign/Likely benign. Review status: criteria provided, multiple submitters, no conflicts (2 of 4 stars). 4 submissions from 4 submitters: Benign (1); Likely benign (3). Last evaluated 2026-01-13.

Conditions:
Megaconial type congenital muscular dystrophy (MDCMC). Also called: CHKB-Related Muscular Dystrophy; MUSCULAR DYSTROPHY, CONGENITAL, WITH MITOCHONDRIAL STRUCTURAL ABNORMALITIES; CHKB-Related Muscle Diseases. Identifiers: Orphanet 280671, MedGen C1865233, MONDO:0011246, OMIM 602541.

Submissions (4):

Labcorp Genetics (formerly Invitae), Labcorp
Classification: Benign for Megaconial type congenital muscular dystrophy. Last evaluated: 2026-01-13. Review status: criteria provided, single submitter. Criteria: Invitae Variant Classification Sherloc (09022015). Collection method: clinical testing. Allele origin: germline.

Blueprint Genetics
Classification: Likely benign. Last evaluated: 2024-08-07. Review status: criteria provided, single submitter. Criteria: ACMG Guidelines, 2015. Collection method: clinical testing. Allele origin: germline.

GeneDx
Classification: Likely benign. Last evaluated: 2017-08-17. Review status: criteria provided, single submitter. Criteria: GeneDx Variant Classification (06012015). Collection method: clinical testing. Allele origin: germline. Affected: yes.
Comment: This variant is considered likely benign or benign based on one or more of the following criteria: it is a conservative change, it occurs at a poorly conserved position in the protein, it is predicted to be benign by multiple in silico algorithms, and/or has population frequency not consistent with disease.

PreventionGenetics, part of Exact Sciences
Classification: Likely benign. Review status: criteria provided, single submitter. Criteria: ACMG Guidelines, 2015. Collection method: clinical testing. Allele origin: germline.

NM_005198.5(CHKB):c.582-13_582-11del

Genes: CHKB (choline kinase beta; minus strand), CHKB-CPT1B (CHKB-CPT1B readthrough (NMD candidate); minus strand). Cytogenetic location: 22q13.33.
Variant type: Deletion.
Coding change: c.582-13_582-11del on transcript NM_005198.5 (MANE Select); 13 bases into the intron before coding-DNA position 582 through 11 bases into the intron before coding-DNA position 582, 3 bases deleted (CTT; older notation c.582-13_582-11delCTT).
Molecular consequence: intron variant.
Genome position (GRCh38, 1-based): chr22:50,580,671-50,580,673, AAG deleted on the plus strand (CTT on the coding strand, the reverse complement: CHKB is on the minus strand); deleting any 3 consecutive bases within chr22:50,580,671-50,580,675 gives the same sequence; the c. name uses the placement nearest the transcript's 3' end. VCF-style (leftmost placement, unchanged base first): chr22-50580670-AAAG-A. GRCh37 (hg19) VCF-style: chr22-51019099-AAAG-A.
Other names: c.582-13_582-11delCTT (NM_005198.4).
Identifiers: ClinVar variation 259660 (VCV000259660.14), dbSNP rs766816072, ClinGen allele CA10323722.